The following is an entry in ClinVar:

NM_015509.4(NECAP1):c.180C>T (p.Leu60=)

Gene: NECAP1 (NECAP endocytosis associated 1; plus strand). Cytogenetic location: 12p13.31.
Variant type: single nucleotide variant.
Coding change: c.180C>T on transcript NM_015509.4 (MANE Select); coding-DNA position 180, C replaced by T.
Protein change: p.Leu60=; no amino-acid change (leucine 60 retained).
Molecular consequence: synonymous variant. On other transcripts: non-coding transcript variant (1).
Genome position (GRCh38, 1-based): chr12:8,090,020, C>T. VCF-style: chr12-8090020-C-T. GRCh37 (hg19) VCF-style: chr12-8242616-C-T.
Identifiers: ClinVar variation 1123612 (VCV001123612.14), dbSNP rs374460096, ClinGen allele CA6432179.

ClinVar aggregate classification (germline): Likely benign. Review status: criteria provided, multiple submitters, no conflicts (2 of 4 stars). 2 submissions from 2 submitters: Likely benign (2). Last evaluated 2025-12-01.

Conditions:
Developmental and epileptic encephalopathy, 21 (DEE21). Also called: Early infantile epileptic encephalopathy 21. Identifiers: Orphanet 442835, MedGen C4014430, MONDO:0014360, OMIM 615833.

Allele frequency attached by ClinVar (database versions not stated): ExAC 0.00002; gnomAD exomes 0.00002 and 0.00007; ESP Exome Variant Server 0.00008.
gnomAD v4.1: 108 of 1,613,722 alleles (0.0067%); highest among the groups gnomAD compares: Non-Finnish European, 0.0081%; no homozygotes.

Submissions (2):

CeGaT Center for Human Genetics Tuebingen
Classification: Likely benign. Last evaluated: 2025-12-01. Review status: criteria provided, single submitter. Criteria: CeGaT Center For Human Genetics Tuebingen Variant Classification Criteria Version 2. Collection method: clinical testing. Allele origin: germline. Affected: yes. Observed: 1 variant allele.
Comment: NECAP1: BP4, BP7

Labcorp Genetics (formerly Invitae), Labcorp
Classification: Likely benign for Developmental and epileptic encephalopathy, 21. Last evaluated: 2024-11-05. Review status: criteria provided, single submitter. Criteria: Invitae Variant Classification Sherloc (09022015). Collection method: clinical testing. Allele origin: germline.